The following is an entry in ClinVar:

ClinVar aggregate classification (germline): Uncertain significance. Review status: criteria provided, multiple submitters, no conflicts (2 of 4 stars). 2 submissions from 2 submitters: Uncertain significance (2). Last evaluated 2025-12-01.

Allele frequency attached by ClinVar (database versions not stated): gnomAD 0.00001; gnomAD exomes 0.00002 and 0.00005; ExAC 0.00003; TOPMed 0.00003.
gnomAD v4.1: 14 of 1,614,044 alleles (0.00087%); highest among the groups gnomAD compares: Admixed American, 0.023%; no homozygotes.

Submissions (2):

Labcorp Genetics (formerly Invitae), Labcorp
Classification: Uncertain significance. Last evaluated: 2025-12-01. Review status: criteria provided, single submitter. Criteria: Invitae Variant Classification Sherloc (09022015). Collection method: clinical testing. Allele origin: germline.
Comment: This sequence change replaces lysine, which is basic and polar, with glutamic acid, which is acidic and polar, at codon 477 of the CSF2RB protein (p.Lys477Glu). This variant is present in population databases (rs763299882, gnomAD 0.03%). This variant has not been reported in the literature in individuals affected with CSF2RB-related conditions. ClinVar contains an entry for this variant (Variation ID: 1404310). Invitae Evidence Modeling of protein sequence and biophysical properties (such as structural, functional, and spatial information, amino acid conservation, physicochemical variation, residue mobility, and thermodynamic stability) indicates that this missense variant is expected to disrupt CSF2RB protein function with a positive predictive value of 80%. In summary, the available evidence is currently insufficient to determine the role of this variant in disease. Therefore, it has been classified as a Variant of Uncertain Significance.

Breakthrough Genomics
Classification: Uncertain significance. Review status: criteria provided, single submitter. Criteria: ACMG Guidelines, 2015. Collection method: not provided. Allele origin: germline. Inheritance: Autosomal dominant inheritance. Affected: yes.

NM_000395.3(CSF2RB):c.1429A>G (p.Lys477Glu)

Gene: CSF2RB (colony stimulating factor 2 receptor subunit beta; plus strand). Cytogenetic location: 22q12.3.
Variant type: single nucleotide variant.
Coding change: c.1429A>G on transcript NM_000395.3 (MANE Select); coding-DNA position 1429, A replaced by G.
Protein change: p.Lys477Glu; replaces lysine 477 with glutamic acid.
Molecular consequence: missense variant.
Genome position (GRCh38, 1-based): chr22:36,935,652, A>G. VCF-style: chr22-36935652-A-G. GRCh37 (hg19) VCF-style: chr22-37331694-A-G.
Other names: short protein forms K477E.
Identifiers: ClinVar variation 1404310 (VCV001404310.9), dbSNP rs763299882, ClinGen allele CA10213846.